The following is an entry in ClinVar:

ClinVar aggregate classification (germline): Conflicting classifications of pathogenicity. Review status: criteria provided, conflicting classifications (1 of 4 stars). 4 submissions from 4 submitters: Uncertain significance (3); Likely benign (1). Last evaluated 2026-01-18.

Conditions:
Inborn genetic diseases. Identifiers: MedGen C0950123, MeSH D030342.
Mitochondrial DNA depletion syndrome 13. Also called: FBXL4-Related Encephalomyopathic Mitochondrial DNA Depletion Syndrome; Mitochondrial DNA depletion syndrome 13 (encephalomyopathic type). Identifiers: Orphanet 369897, MedGen C3809592, MONDO:0014198, OMIM 615471.

Allele frequency attached by ClinVar (database versions not stated): ESP Exome Variant Server 0.00023; gnomAD 0.00023 and 0.00024; ExAC 0.00030; gnomAD exomes 0.00040 and 0.00017; TOPMed 0.00022.
gnomAD v4.1: 318 of 1,614,096 alleles (0.02%); highest among the groups gnomAD compares: African/African-American, 0.0067%; no homozygotes.

Submissions (4):

Labcorp Genetics (formerly Invitae), Labcorp
Classification: Likely benign. Last evaluated: 2026-01-18. Review status: criteria provided, single submitter. Criteria: Invitae Variant Classification Sherloc (09022015). Collection method: clinical testing. Allele origin: germline.

GeneDx
Classification: Uncertain significance. Last evaluated: 2024-08-02. Review status: criteria provided, single submitter. Criteria: GeneDx Variant Classification Process June 2021. Collection method: clinical testing. Allele origin: germline. Affected: yes.
Comment: In silico analysis indicates that this missense variant does not alter protein structure/function; Has not been previously published as pathogenic or benign to our knowledge

Ambry Genetics
Classification: Uncertain significance for Inborn genetic diseases. Last evaluated: 2020-12-09. Review status: criteria provided, single submitter. Criteria: Ambry Variant Classification Scheme 2023. Collection method: clinical testing. Allele origin: germline.

Wong Mito Lab, Molecular and Human Genetics, Baylor College of Medicine
Classification: Uncertain significance for Mitochondrial DNA depletion syndrome 13. Last evaluated: 2017-08-10. Review status: criteria provided, single submitter. Criteria: ACMG Guidelines, 2015. Collection method: reference population. Allele origin: germline.
Comment: The NM_012160.4:c.79A>G (NP_036292.2:p.Thr27Ala) [GRCH38: NC_000006.12:g.98926910T>C] variant in FBXL4 gene is interpretated to be a Uncertain Significance - Conflicting Evidence based on ACMG guidelines (PMID: 25741868). This variant meets one or more of the following evidence codes reported in the ACMG-guideline. PM2:This variant is absent in key population databases. BP4:Computational evidence/predictors indicate no impact on the FBXL4 structure, function, or protein-protein interaction. Based on this evidence code ClinGen Pathogenicity Calculator (PMID:28081714) suggested that the variant is Uncertain Significance - Conflicting Evidence.

NM_001278716.2(FBXL4):c.79A>G (p.Thr27Ala)

Gene: FBXL4 (F-box and leucine rich repeat protein 4; minus strand). Cytogenetic location: 6q16.2.
Variant type: single nucleotide variant.
Coding change: c.79A>G on transcript NM_001278716.2 (MANE Select); coding-DNA position 79, A replaced by G.
Protein change: p.Thr27Ala; replaces threonine 27 with alanine.
Molecular consequence: missense variant. On other transcripts: non-coding transcript variant (2).
Genome position (GRCh38, 1-based): chr6:98,926,910, T>C on the plus strand (A>G on the coding strand, the complement: FBXL4 is on the minus strand). VCF-style: chr6-98926910-T-C. GRCh37 (hg19) VCF-style: chr6-99374786-T-C.
Other names: c.79A>G (NM_012160.3); c.79A>G, p.Thr27Ala (NM_012160.5); short protein forms T27A.
Identifiers: ClinVar variation 437531 (VCV000437531.18), dbSNP rs142853738, ClinGen allele CA3933743.
Genomic context (GRCh38, chr6:98,926,910, plus strand): 5'-GAGGGGAAGTCTGGCTGTTTGATTCTATAGCTCTATGGGTGTTCATCATTTCTCCTCTTG[T>C]AGCTGTCCTGGCTCGGCGCCGAAGGCATATATAATAAAACATGGTCAGAACTGTTAACAT-3'
Protein context (NP_001265645.1, residues 17-37): ICLRRRARTA[Thr27Ala]RGEMMNTHRA